The following is an entry in ClinVar:

NM_015374.3(SUN2):c.1352A>G (p.Asp451Gly)

Genes: GTPBP1 (GTP binding protein 1; plus strand), SUN2 (Sad1 and UNC84 domain containing 2; minus strand). Cytogenetic location: 22q13.1.
Variant type: single nucleotide variant.
Coding change: c.1352A>G on transcript NM_015374.3 (MANE Select); coding-DNA position 1352, A replaced by G.
Protein change: p.Asp451Gly; replaces aspartic acid 451 with glycine.
Molecular consequence: missense variant.
Genome position (GRCh38, 1-based): chr22:38,740,271, T>C on the plus strand (A>G on the coding strand, the complement: SUN2 is on the minus strand). VCF-style: chr22-38740271-T-C. GRCh37 (hg19) VCF-style: chr22-39136276-T-C.
Other names: c.1415A>G, p.Asp472Gly (NM_001199579.2); c.1352A>G, p.Asp451Gly (NM_001199580.2); short protein forms D451G, D472G.
Identifiers: ClinVar variation 1018133 (VCV001018133.8), dbSNP rs2092844667, ClinGen allele CA411584497.

ClinVar aggregate classification (germline): Uncertain significance (1 of 4 stars; one submission).

Conditions:
Emery-Dreifuss muscular dystrophy (EDMD). Also called: Scapuloperoneal syndrome, X-linked (formerly); Humeroperoneal neuromuscular disease, (formerly). Identifiers: Orphanet 261, MedGen C0410189, MONDO:0016830.

Allele frequency attached by ClinVar (database versions not stated): gnomAD exomes below 0.00001.
gnomAD v4.1: 1 of 1,586,832 alleles (0.000063%); highest among the groups gnomAD compares: Non-Finnish European, 0.000086%; no homozygotes.

Submission:

Labcorp Genetics (formerly Invitae), Labcorp
Classification: Uncertain significance for Emery-Dreifuss muscular dystrophy. Last evaluated: 2020-07-30. Review status: criteria provided, single submitter. Criteria: Invitae Variant Classification Sherloc (09022015). Collection method: clinical testing. Allele origin: germline.
Comment: In summary, the available evidence is currently insufficient to determine the role of this variant in disease. Therefore, it has been classified as a Variant of Uncertain Significance. Algorithms developed to predict the effect of missense changes on protein structure and function (SIFT, PolyPhen-2, Align-GVGD) all suggest that this variant is likely to be tolerated, but these predictions have not been confirmed by published functional studies and their clinical significance is uncertain. This variant has not been reported in the literature in individuals with SUN2-related conditions. This variant is not present in population databases (ExAC no frequency). This sequence change replaces aspartic acid with glycine at codon 451 of the SUN2 protein (p.Asp451Gly). The aspartic acid residue is weakly conserved and there is a moderate physicochemical difference between aspartic acid and glycine.